The following is an entry in ClinVar:

ClinVar aggregate classification (germline): Uncertain significance. Review status: criteria provided, multiple submitters, no conflicts (2 of 4 stars). 4 submissions from 4 submitters: Uncertain significance (4). Last evaluated 2025-12-11.

Conditions:
Cardiovascular phenotype. Identifiers: MedGen CN230736.
Catecholaminergic polymorphic ventricular tachycardia 1. Also called: VENTRICULAR TACHYCARDIA, CATECHOLAMINERGIC POLYMORPHIC, 1, WITH OR WITHOUT ATRIAL DYSFUNCTION AND/OR DILATED CARDIOMYOPATHY; RYR2-Related Catecholaminergic Polymorphic Ventricular Tachycardia; VENTRICULAR TACHYCARDIA, STRESS-INDUCED POLYMORPHIC 1. Identifiers: Orphanet 3286, MedGen C1631597, MONDO:0011484, OMIM 604772.
Arrhythmogenic right ventricular dysplasia 2. Identifiers: MedGen C1832931.
Ventricular arrhythmias due to cardiac ryanodine receptor calcium release deficiency syndrome. Also called: Autosomal dominant cardiac arrhythmia (Kuhn). Identifiers: MedGen C5542154, MONDO:0020745, OMIM 115000.
Catecholaminergic polymorphic ventricular tachycardia (CVPT). Also called: Catecholamine-induced polymorphic ventricular tachycardia. Identifiers: Orphanet 3286, MedGen C5574922, MONDO:0017990.

Allele frequency attached by ClinVar (database versions not stated): gnomAD exomes below 0.00001; gnomAD 0.00002 and 0.00003; TOPMed 0.00003.
gnomAD v4.1: 10 of 1,606,066 alleles (0.00062%); highest among the groups gnomAD compares: African/African-American, 0.0094%; no homozygotes.

Submissions (4):

Ambry Genetics
Classification: Uncertain significance for Cardiovascular phenotype. Last evaluated: 2025-12-11. Review status: criteria provided, single submitter. Criteria: Ambry Variant Classification Scheme 2023. Collection method: clinical testing. Allele origin: germline.
Comment: The c.294+3A>G intronic variant results from an A to G substitution 3 nucleotides after coding exon 4 in the RYR2 gene. This nucleotide position is highly conserved in available vertebrate species. In silico splice site analysis for this alteration is inconclusive. Based on the available evidence, the clinical significance of this variant remains unclear.

Labcorp Genetics (formerly Invitae), Labcorp
Classification: Uncertain significance for Catecholaminergic polymorphic ventricular tachycardia 1. Last evaluated: 2024-12-17. Review status: criteria provided, single submitter. Criteria: Invitae Variant Classification Sherloc (09022015). Collection method: clinical testing. Allele origin: germline.
Comment: This sequence change falls in intron 4 of the RYR2 gene. It does not directly change the encoded amino acid sequence of the RYR2 protein. It affects a nucleotide within the consensus splice site. This variant is present in population databases (no rsID available, gnomAD 0.007%). This variant has not been reported in the literature in individuals affected with RYR2-related conditions. ClinVar contains an entry for this variant (Variation ID: 834835). Variants that disrupt the consensus splice site are a relatively common cause of aberrant splicing (PMID: 17576681, 9536098). Algorithms developed to predict the effect of sequence changes on RNA splicing suggest that this variant may disrupt the consensus splice site. In summary, the available evidence is currently insufficient to determine the role of this variant in disease. Therefore, it has been classified as a Variant of Uncertain Significance.

All of Us Research Program, National Institutes of Health
Classification: Uncertain significance for Catecholaminergic polymorphic ventricular tachycardia. Last evaluated: 2023-11-30. Review status: criteria provided, single submitter. Criteria: ACMG Guidelines, 2015. Collection method: clinical testing. Allele origin: germline. Inheritance: Autosomal dominant inheritance. Observed: 3 variant alleles, 3 heterozygotes.
Comment: This variant causes an A to G nucleotide substitution at the +3 position of intron 4 of the RYR2 gene. To our knowledge, functional studies have not been reported for this variant. This variant has not been reported in individuals affected with RYR2-related disorders in the literature. This variant has been identified in 1/238224 chromosomes in the general population by the Genome Aggregation Database (gnomAD). The available evidence is insufficient to determine the role of this variant in disease conclusively. Therefore, this variant is classified as a Variant of Uncertain Significance.

This study involves interpretation of variants in research participants for the purpose of population health screening. Participant phenotype was not available at the time of variant classification. Additional details can be found in publication PMID: 35346344, PMCID: PMC8962531

Fulgent Genetics
Classification: Uncertain significance for Ventricular arrhythmias due to cardiac ryanodine receptor calcium release deficiency syndrome; Catecholaminergic polymorphic ventricular tachycardia 1. Last evaluated: 2021-08-03. Review status: criteria provided, single submitter. Criteria: ACMG Guidelines, 2015. Collection method: clinical testing. Allele origin: unknown.

Literature cited by the submitters: PubMed 17576681 (cited by Labcorp Genetics (formerly Invitae), Labcorp); PubMed 9536098 (cited by Labcorp Genetics (formerly Invitae), Labcorp).

NM_001035.3(RYR2):c.294+3A>G

Gene: RYR2 (ryanodine receptor 2; plus strand). Cytogenetic location: 1q43.
Variant type: single nucleotide variant.
Coding change: c.294+3A>G on transcript NM_001035.3 (MANE Select); 3 bases into the intron after coding-DNA position 294, A replaced by G.
Molecular consequence: intron variant.
Genome position (GRCh38, 1-based): chr1:237,355,988, A>G. VCF-style: chr1-237355988-A-G. GRCh37 (hg19) VCF-style: chr1-237519288-A-G.
Identifiers: ClinVar variation 834835 (VCV000834835.14), dbSNP rs1321804058, ClinGen allele CA529599826.